The following is an entry in ClinVar:

ClinVar aggregate classification (germline): Uncertain significance. Review status: criteria provided, multiple submitters, no conflicts (2 of 4 stars). 2 submissions from 2 submitters: Uncertain significance (2). Last evaluated 2025-07-12.

Conditions:
Inborn genetic diseases. Identifiers: MedGen C0950123, MeSH D030342.

Allele frequency attached by ClinVar (database versions not stated): gnomAD 0.00001; TOPMed 0.00006.
gnomAD v4.1: 3 of 1,341,490 alleles (0.00022%); highest among the groups gnomAD compares: East Asian, 0.0032%; no homozygotes.

Submissions (2):

Ambry Genetics
Classification: Uncertain significance for Inborn genetic diseases. Last evaluated: 2025-07-12. Review status: criteria provided, single submitter. Criteria: Ambry Variant Classification Scheme 2023. Collection method: clinical testing. Allele origin: germline.

Labcorp Genetics (formerly Invitae), Labcorp
Classification: Uncertain significance. Last evaluated: 2022-02-24. Review status: criteria provided, single submitter. Criteria: Invitae Variant Classification Sherloc (09022015). Collection method: clinical testing. Allele origin: germline.
Comment: This sequence change replaces glutamic acid, which is acidic and polar, with lysine, which is basic and polar, at codon 46 of the HMX1 protein (p.Glu46Lys). This variant is not present in population databases (gnomAD no frequency). This variant has not been reported in the literature in individuals affected with HMX1-related conditions. ClinVar contains an entry for this variant (Variation ID: 1050936). Algorithms developed to predict the effect of missense changes on protein structure and function are either unavailable or do not agree on the potential impact of this missense change (SIFT: "Tolerated"; PolyPhen-2: "Not Available"; Align-GVGD: "Class C0"). In summary, the available evidence is currently insufficient to determine the role of this variant in disease. Therefore, it has been classified as a Variant of Uncertain Significance.

NM_018942.3(HMX1):c.136G>A (p.Glu46Lys)

Gene: HMX1 (H6 family homeobox 1; minus strand). Cytogenetic location: 4p16.1.
Variant type: single nucleotide variant.
Coding change: c.136G>A on transcript NM_018942.3 (MANE Select); coding-DNA position 136, G replaced by A.
Protein change: p.Glu46Lys; replaces glutamic acid 46 with lysine.
Molecular consequence: missense variant.
Genome position (GRCh38, 1-based): chr4:8,871,479, C>T on the plus strand (G>A on the coding strand, the complement: HMX1 is on the minus strand). VCF-style: chr4-8871479-C-T. GRCh37 (hg19) VCF-style: chr4-8873205-C-T.
Other names: c.136G>A, p.Glu46Lys (NM_001306142.2); c.136G>A (NM_018942.2); short protein forms E46K.
Identifiers: ClinVar variation 1050936 (VCV001050936.10), dbSNP rs867988447, ClinGen allele CA92350235.
Genomic context (GRCh38, chr4:8,871,479, plus strand): 5'-GTAGCCGTCGCCGCCGCGCCTGCTCGGCGTCCTCGTCTTCGGGGTCGTCGTCGTCCTCCT[C>T]CTCGTCCTCCCGGCTGCCGTCGCCCTGGGTCGCGCGCCCTGCGCCCTTGGCCTCGGCCGC-3'
Protein context (NP_061815.2, residues 36-56): TQGDGSREDE[Glu46Lys]EDDDDPEDED